The following is an entry in ClinVar:

NM_177438.3(DICER1):c.3983C>G (p.Thr1328Ser)

Gene: DICER1 (dicer 1, ribonuclease III; minus strand). Cytogenetic location: 14q32.13.
Variant type: single nucleotide variant.
Coding change: c.3983C>G on transcript NM_177438.3 (MANE Select); coding-DNA position 3983, C replaced by G.
Protein change: p.Thr1328Ser; replaces threonine 1328 with serine.
Molecular consequence: missense variant. On other transcripts: non-coding transcript variant (6).
Genome position (GRCh38, 1-based): chr14:95,103,413, G>C on the plus strand (C>G on the coding strand, the complement: DICER1 is on the minus strand). VCF-style: chr14-95103413-G-C. GRCh37 (hg19) VCF-style: chr14-95569750-G-C.
Other names: c.3983C>G, p.Thr1328Ser (NM_001195573.1, NM_001271282.3, NM_001291628.2 and 13 more transcripts); c.3701C>G, p.Thr1234Ser (NM_001395686.1); c.3578C>G, p.Thr1193Ser (NM_001395687.1, NM_001395688.1, NM_001395689.1 and 2 more transcripts); c.3416C>G, p.Thr1139Ser (NM_001395691.1); c.2300C>G, p.Thr767Ser (NM_001395697.1); short protein forms T1139S, T1234S, T1193S, T1328S, T767S.
Identifiers: ClinVar variation 2755422 (VCV002755422.3), dbSNP rs2542686395, ClinGen allele CA390873023.

ClinVar aggregate classification (germline): Uncertain significance (1 of 4 stars; one submission).

Conditions:
DICER1-related tumor predisposition. Also called: DICER1-related pleuropulmonary blastoma cancer predisposition syndrome; DICER1 syndrome. Identifiers: Orphanet 284343, MedGen C3839822, MONDO:0100216.

Submission:

Labcorp Genetics (formerly Invitae), Labcorp
Classification: Uncertain significance for DICER1-related tumor predisposition. Last evaluated: 2023-08-27. Review status: criteria provided, single submitter. Criteria: Invitae Variant Classification Sherloc (09022015). Collection method: clinical testing. Allele origin: germline.
Comment: In summary, the available evidence is currently insufficient to determine the role of this variant in disease. Therefore, it has been classified as a Variant of Uncertain Significance. Advanced modeling of protein sequence and biophysical properties (such as structural, functional, and spatial information, amino acid conservation, physicochemical variation, residue mobility, and thermodynamic stability) has been performed at Invitae for this missense variant, however the output from this modeling did not meet the statistical confidence thresholds required to predict the impact of this variant on DICER1 protein function. This variant has not been reported in the literature in individuals affected with DICER1-related conditions. This variant is not present in population databases (gnomAD no frequency). This sequence change replaces threonine, which is neutral and polar, with serine, which is neutral and polar, at codon 1328 of the DICER1 protein (p.Thr1328Ser).